The following is an entry in ClinVar:

NM_000350.3(ABCA4):c.*55G>T

Gene: ABCA4 (ATP binding cassette subfamily A member 4; minus strand). Cytogenetic location: 1p22.1.
Variant type: single nucleotide variant.
Coding change: c.*55G>T on transcript NM_000350.3 (MANE Select); 55 bases downstream of the stop codon, G replaced by T.
Molecular consequence: 3 prime UTR variant.
Genome position (GRCh38, 1-based): chr1:93,993,182, C>A on the plus strand (G>T on the coding strand, the complement: ABCA4 is on the minus strand). VCF-style: chr1-93993182-C-A. GRCh37 (hg19) VCF-style: chr1-94458738-C-A.
Other names: c.*55G>T (NM_001425324.1).
Identifiers: ClinVar variation 298220 (VCV000298220.6), dbSNP rs201160433, ClinGen allele CA10610841.
Genomic context (GRCh38, chr1:93,993,182, plus strand): 5'-GCAGTGGGGTCATTTACGCTGGCCAGTCCATTTGGATGACCATATGGGCACAGGCTCCTG[C>A]GCCTCCAGCTGCCCAGAGTTCCTTTCTGGCTGCAGGAACGAGCGGTGTGAAAGATCAGTC-3'

ClinVar aggregate classification (germline): Likely benign (1 of 4 stars; one submission).

Conditions:
ABCA4-related disorder. Also called: ABCA4-related disorders; ABCA4-related condition. Identifiers: MedGen CN239167.

Allele frequency attached by ClinVar (database versions not stated): gnomAD 0.00010; TOPMed 0.00013; ESP Exome Variant Server 0.00022; 1000 Genomes Project 30x 0.00156; 1000 Genomes Project 0.00200.
gnomAD v4.1: 718 of 1,612,784 alleles (0.045%); highest among the groups gnomAD compares: South Asian, 0.63%; 10 homozygotes.

Submission:

Illumina Laboratory Services, Illumina
Classification: Likely benign for ABCA4-Related Disorders. Last evaluated: 2017-04-27. Review status: criteria provided, single submitter. Criteria: ICSL Variant Classification Criteria 13 December 2019. Collection method: clinical testing. Allele origin: germline.
Comment: This variant was observed as part of a predisposition screen in an ostensibly healthy population. A literature search was performed for the gene, cDNA change, and amino acid change (where applicable). No publications were found based on this search. Allele frequency data from public databases allowed determination this variant is unlikely to cause disease. Therefore, this variant is classified as likely benign.